The following is an entry in ClinVar:

ClinVar aggregate classification (germline): Uncertain significance (1 of 4 stars; one submission).

gnomAD v4.1: 50 of 1,594,634 alleles (0.0031%); highest among the groups gnomAD compares: Admixed American, 0.013%; 1 homozygote.

Submission:

Labcorp Genetics (formerly Invitae), Labcorp
Classification: Uncertain significance. Last evaluated: 2025-03-24. Review status: criteria provided, single submitter. Criteria: Invitae Variant Classification Sherloc (09022015). Collection method: clinical testing. Allele origin: germline.
Comment: This sequence change falls in intron 32 of the ACACA gene. It does not directly change the encoded amino acid sequence of the ACACA protein. It affects a nucleotide within the consensus splice site. This variant is present in population databases (no rsID available, gnomAD 0.01%). This variant has not been reported in the literature in individuals affected with ACACA-related conditions. Variants that disrupt the consensus splice site are a relatively common cause of aberrant splicing (PMID: 17576681, 9536098). Algorithms developed to predict the effect of sequence changes on RNA splicing suggest that this variant is not likely to affect RNA splicing. In summary, the available evidence is currently insufficient to determine the role of this variant in disease. Therefore, it has been classified as a Variant of Uncertain Significance.

Literature cited by the submitters: PubMed 17576681; PubMed 9536098.

NM_198834.3(ACACA):c.3564+4A>G

Gene: ACACA (acetyl-CoA carboxylase alpha; minus strand). Cytogenetic location: 17q12.
Variant type: single nucleotide variant.
Coding change: c.3564+4A>G on transcript NM_198834.3 (MANE Select); 4 bases into the intron after coding-DNA position 3564, A replaced by G.
Molecular consequence: intron variant.
Genome position (GRCh38, 1-based): chr17:37,223,508, T>C on the plus strand (A>G on the coding strand, the complement: ACACA is on the minus strand). VCF-style: chr17-37223508-T-C. GRCh37 (hg19) VCF-style: chr17-35580429-T-C.
Other names: c.3453+4A>G (NM_198839.3, NM_198836.3); c.3279+4A>G (NM_198837.2); c.3219+4A>G (NM_198838.2).
Identifiers: ClinVar variation 3612554 (VCV003612554.2).
Genomic context (GRCh38, chr17:37,223,508, plus strand): 5'-ATAGACAGAAGAAACCAGCTAGAAACAAAGGAAAAGGTCATGTCCCATTACCATAAATAC[T>C]TACCTCCAGAGCTGCCATCCTCACTACTTGGTTGCTGTGATAGAAGAAGTTTGGTAGGAC-3'